The following is an entry in ClinVar:

NM_006734.4(HIVEP2):c.2270G>A (p.Arg757His)

Gene: HIVEP2 (HIVEP zinc finger 2; minus strand). Cytogenetic location: 6q24.2.
Variant type: single nucleotide variant.
Coding change: c.2270G>A on transcript NM_006734.4 (MANE Select); coding-DNA position 2270, G replaced by A.
Protein change: p.Arg757His; replaces arginine 757 with histidine.
Molecular consequence: missense variant.
Genome position (GRCh38, 1-based): chr6:142,772,469, C>T on the plus strand (G>A on the coding strand, the complement: HIVEP2 is on the minus strand). VCF-style: chr6-142772469-C-T. GRCh37 (hg19) VCF-style: chr6-143093606-C-T.
Other names: short protein forms R757H.
Identifiers: ClinVar variation 2627328 (VCV002627328.5), dbSNP rs778150820, ClinGen allele CA4028447.

ClinVar aggregate classification (germline): Uncertain significance. Review status: criteria provided, multiple submitters, no conflicts (2 of 4 stars). 3 submissions from 3 submitters: Uncertain significance (3). Last evaluated 2024-12-31.

Conditions:
Inborn genetic diseases. Identifiers: MedGen C0950123, MeSH D030342.

Allele frequency attached by ClinVar (database versions not stated): gnomAD 0.00001; ExAC 0.00002; TOPMed 0.00002.
gnomAD v4.1: 22 of 1,614,034 alleles (0.0014%); highest among the groups gnomAD compares: South Asian, 0.0044%; no homozygotes.

Submissions (3):

Labcorp Genetics (formerly Invitae), Labcorp
Classification: Uncertain significance. Last evaluated: 2024-12-31. Review status: criteria provided, single submitter. Criteria: Invitae Variant Classification Sherloc (09022015). Collection method: clinical testing. Allele origin: germline.
Comment: This sequence change replaces arginine, which is basic and polar, with histidine, which is basic and polar, at codon 757 of the HIVEP2 protein (p.Arg757His). This variant is present in population databases (rs778150820, gnomAD 0.003%). This variant has not been reported in the literature in individuals affected with HIVEP2-related conditions. ClinVar contains an entry for this variant (Variation ID: 2627328). Invitae Evidence Modeling of protein sequence and biophysical properties (such as structural, functional, and spatial information, amino acid conservation, physicochemical variation, residue mobility, and thermodynamic stability) indicates that this missense variant is not expected to disrupt HIVEP2 protein function with a negative predictive value of 80%. In summary, the available evidence is currently insufficient to determine the role of this variant in disease. Therefore, it has been classified as a Variant of Uncertain Significance.

Ambry Genetics
Classification: Uncertain significance for Inborn genetic diseases. Last evaluated: 2024-04-01. Review status: criteria provided, single submitter. Criteria: Ambry Variant Classification Scheme 2023. Collection method: clinical testing. Allele origin: germline.

Women's Health and Genetics/Laboratory Corporation of America, LabCorp
Classification: Uncertain significance. Last evaluated: 2023-09-26. Review status: criteria provided, single submitter. Criteria: LabCorp Variant Classification Summary - May 2015. Collection method: clinical testing. Allele origin: germline.
Comment: Variant summary: HIVEP2 c.2270G>A (p.Arg757His) results in a non-conservative amino acid change in the encoded protein sequence. Three of five in-silico tools predict a benign effect of the variant on protein function. The variant allele was found at a frequency of 8e-06 in 249454 control chromosomes (gnomAD). The available data on variant occurrences in the general population are insufficient to allow any conclusion about variant significance. To our knowledge, no occurrence of c.2270G>A in individuals affected with Intellectual Disability, Autosomal Dominant 43 and no experimental evidence demonstrating its impact on protein function have been reported. No submitters have cited clinical-significance assessments for this variant to ClinVar after 2014. Based on the evidence outlined above, the variant was classified as uncertain significance.